The following is an entry in ClinVar:

NM_005612.5(REST):c.2305A>G (p.Ile769Val)

Gene: REST (RE1 silencing transcription factor; plus strand). Cytogenetic location: 4q12.
Variant type: single nucleotide variant.
Coding change: c.2305A>G on transcript NM_005612.5 (MANE Select); coding-DNA position 2305, A replaced by G.
Protein change: p.Ile769Val; replaces isoleucine 769 with valine.
Molecular consequence: missense variant.
Genome position (GRCh38, 1-based): chr4:56,931,163, A>G. VCF-style: chr4-56931163-A-G. GRCh37 (hg19) VCF-style: chr4-57797329-A-G.
Other names: c.2305A>G, p.Ile769Val (NM_001193508.2, NM_001363453.3); short protein forms I769V.
Identifiers: ClinVar variation 1013885 (VCV001013885.8), dbSNP rs574694774, ClinGen allele CA2932452.
Genomic context (GRCh38, chr4:56,931,163, plus strand): 5'-CTGTCTCCTCCCATGGAGGTGGTCCAGAAGGAACCTGTTAAGATAGAGCTGTCTCCTCCC[A>G]TAGAGGTGGTCCAGAAGGAGCCTGTTCAGATGGAGTTGTCTCCTCCCATGGGGGTGGTTC-3'
Protein context (NP_005603.3, residues 759-779): EPVKIELSPP[Ile769Val]EVVQKEPVQM

ClinVar aggregate classification (germline): Uncertain significance (1 of 4 stars; one submission).

Allele frequency attached by ClinVar (database versions not stated): ExAC 0.00001; gnomAD exomes 0.00001 and 0.00002; TOPMed 0.00002; gnomAD 0.00003.
gnomAD v4.1: 12 of 1,607,922 alleles (0.00075%); highest among the groups gnomAD compares: Non-Finnish European, 0.001%; no homozygotes.

Submission:

Labcorp Genetics (formerly Invitae), Labcorp
Classification: Uncertain significance. Last evaluated: 2023-07-17. Review status: criteria provided, single submitter. Criteria: Invitae Variant Classification Sherloc (09022015). Collection method: clinical testing. Allele origin: germline.
Comment: In summary, the available evidence is currently insufficient to determine the role of this variant in disease. Therefore, it has been classified as a Variant of Uncertain Significance. Algorithms developed to predict the effect of missense changes on protein structure and function output the following: SIFT: "Not Available"; PolyPhen-2: "Benign"; Align-GVGD: "Not Available". The valine amino acid residue is found in multiple mammalian species, which suggests that this missense change does not adversely affect protein function. ClinVar contains an entry for this variant (Variation ID: 1013885). This variant has not been reported in the literature in individuals affected with REST-related conditions. This variant is present in population databases (rs574694774, gnomAD 0.004%). This sequence change replaces isoleucine, which is neutral and non-polar, with valine, which is neutral and non-polar, at codon 769 of the REST protein (p.Ile769Val).